The following is an entry in ClinVar:

NM_014679.5(CEP57):c.161C>G (p.Pro54Arg)

Gene: CEP57 (centrosomal protein 57; plus strand). Cytogenetic location: 11q21.
Variant type: single nucleotide variant.
Coding change: c.161C>G on transcript NM_014679.5 (MANE Select); coding-DNA position 161, C replaced by G.
Protein change: p.Pro54Arg; replaces proline 54 with arginine.
Molecular consequence: missense variant.
Genome position (GRCh38, 1-based): chr11:95,799,347, C>G. VCF-style: chr11-95799347-C-G. GRCh37 (hg19) VCF-style: chr11-95532511-C-G.
Other names: c.134C>G, p.Pro45Arg (NM_001243776.2); c.161C>G, p.Pro54Arg (NM_001243777.2); c.80C>G, p.Pro27Arg (NM_001363604.2); short protein forms P27R, P45R, P54R.
Identifiers: ClinVar variation 4001024 (VCV004001024.1).

ClinVar aggregate classification (germline): Uncertain significance (1 of 4 stars; one submission).

Conditions:
Inborn genetic diseases. Identifiers: MedGen C0950123, MeSH D030342.

gnomAD v4.1: 21 of 1,613,960 alleles (0.0013%); highest among the groups gnomAD compares: East Asian, 0.042%; no homozygotes.

Submission:

Ambry Genetics
Classification: Uncertain significance for Inborn genetic diseases. Last evaluated: 2025-04-25. Review status: criteria provided, single submitter. Criteria: Ambry Variant Classification Scheme 2023. Collection method: clinical testing. Allele origin: germline.
Comment: The p.P54R variant (also known as c.161C>G), located in coding exon 2 of the CEP57 gene, results from a C to G substitution at nucleotide position 161. The proline at codon 54 is replaced by arginine, an amino acid with dissimilar properties. This amino acid position is conserved. In addition, this alteration is predicted to be tolerated by in silico analysis. Based on the available evidence, the clinical significance of this variant remains unclear.